The following is an entry in ClinVar:

NM_001007228.2(SPOP):c.181G>A (p.Ala61Thr)

Gene: SPOP (speckle type BTB/POZ protein; minus strand). Cytogenetic location: 17q21.33.
Variant type: single nucleotide variant.
Coding change: c.181G>A on transcript NM_001007228.2 (MANE Select); coding-DNA position 181, G replaced by A.
Protein change: p.Ala61Thr; replaces alanine 61 with threonine.
Molecular consequence: missense variant.
Genome position (GRCh38, 1-based): chr17:49,621,965, C>T on the plus strand (G>A on the coding strand, the complement: SPOP is on the minus strand). VCF-style: chr17-49621965-C-T. GRCh37 (hg19) VCF-style: chr17-47699327-C-T.
Other names: c.181G>A, p.Ala61Thr (NM_001007226.1, NM_001007227.1, NM_001007229.1 and 5 more transcripts); short protein forms A61T.
Identifiers: ClinVar variation 4530757 (VCV004530757.1).

ClinVar aggregate classification (germline): Uncertain significance (1 of 4 stars; one submission).

Submission:

GeneDx
Classification: Uncertain significance. Last evaluated: 2025-05-24. Review status: criteria provided, single submitter. Criteria: GeneDx Variant Classification Process June 2021. Collection method: clinical testing. Allele origin: germline. Affected: yes.
Comment: Not observed at significant frequency in large population cohorts (gnomAD); In silico analysis suggests that this missense variant does not alter protein structure/function; Has not been previously published as pathogenic or benign to our knowledge